The following is an entry in ClinVar:

ClinVar aggregate classification (germline): Uncertain significance (1 of 4 stars; one submission).

Submission:

GeneDx
Classification: Uncertain significance. Last evaluated: 2023-03-20. Review status: criteria provided, single submitter. Criteria: GeneDx Variant Classification Process June 2021. Collection method: clinical testing. Allele origin: germline. Affected: yes.
Comment: Not observed at significant frequency in large population cohorts (gnomAD); In silico analysis supports that this missense variant has a deleterious effect on protein structure/function; Has not been previously published as pathogenic or benign to our knowledge

NM_005445.4(SMC3):c.3110C>T (p.Ser1037Phe)

Gene: SMC3 (structural maintenance of chromosomes 3; plus strand). Cytogenetic location: 10q25.2.
Variant type: single nucleotide variant.
Coding change: c.3110C>T on transcript NM_005445.4 (MANE Select); coding-DNA position 3110, C replaced by T.
Protein change: p.Ser1037Phe; replaces serine 1037 with phenylalanine.
Molecular consequence: missense variant.
Genome position (GRCh38, 1-based): chr10:110,602,478, C>T. VCF-style: chr10-110602478-C-T. GRCh37 (hg19) VCF-style: chr10-112362236-C-T.
Other names: short protein forms S1037F.
Identifiers: ClinVar variation 2580553 (VCV002580553.1), dbSNP rs2493149243, ClinGen allele CA378394494.
Genomic context (GRCh38, chr10:110,602,478, plus strand): 5'-AAGTGTTATATATAATTCTAAGCAAAATTTATATTTCAATCTGCTTTTGTTTTAAGGTAT[C>T]TAAGAACTTCAGTGAAGTATTCCAGAAGTTAGTACCTGGTGGCAAAGCTACTTTGGTGAT-3'
Protein context (NP_005436.1, residues 1027-1047): EAIQLTFKQV[Ser1037Phe]KNFSEVFQKL